The following is an entry in ClinVar:

ClinVar aggregate classification (germline): Uncertain significance. Review status: criteria provided, multiple submitters, no conflicts (2 of 4 stars). 2 submissions from 2 submitters: Uncertain significance (2). Last evaluated 2024-12-15.

Conditions:
Cardiovascular phenotype. Identifiers: MedGen CN230736.
Ehlers-Danlos syndrome, classic type, 1 (EDSCL1). Also called: EHLERS-DANLOS SYNDROME, GRAVIS TYPE; EHLERS-DANLOS SYNDROME, SEVERE CLASSIC TYPE; Ehlers-Danlos syndrome, type 1; Ehlers-Danlos Syndrome, Classic Type, COL5A1-Related; EDS I. Identifiers: MedGen C0268335, MONDO:0019567, OMIM 130000.
Osteogenesis imperfecta type I (OI1). Also called: OI, TYPE I; OSTEOGENESIS IMPERFECTA TARDA; OSTEOGENESIS IMPERFECTA WITH BLUE SCLERAE; Osteogenesis imperfecta type 1; Lobstein's Disease; Lobstein disease. Identifiers: Orphanet 216796, Orphanet 666, MedGen C0023931, MONDO:0008146, OMIM 166200. Disease mechanism: loss of function.

Allele frequency attached by ClinVar (database versions not stated): gnomAD exomes 0.00001 and below 0.00001; TOPMed below 0.00001; ExAC 0.00001; ESP Exome Variant Server 0.00008.
gnomAD v4.1: 5 of 1,614,116 alleles (0.00031%); highest among the groups gnomAD compares: South Asian, 0.0011%; no homozygotes.

Submissions (2):

Labcorp Genetics (formerly Invitae), Labcorp
Classification: Uncertain significance for Osteogenesis imperfecta type I; Ehlers-Danlos syndrome, classic type, 1. Last evaluated: 2024-12-15. Review status: criteria provided, single submitter. Criteria: Invitae Variant Classification Sherloc (09022015). Collection method: clinical testing. Allele origin: germline.
Comment: This sequence change replaces alanine, which is neutral and non-polar, with glycine, which is neutral and non-polar, at codon 911 of the COL1A2 protein (p.Ala911Gly). This variant is present in population databases (rs374901613, gnomAD 0.003%). This variant has not been reported in the literature in individuals affected with COL1A2-related conditions. ClinVar contains an entry for this variant (Variation ID: 1471557). Invitae Evidence Modeling of protein sequence and biophysical properties (such as structural, functional, and spatial information, amino acid conservation, physicochemical variation, residue mobility, and thermodynamic stability) indicates that this missense variant is not expected to disrupt COL1A2 protein function with a negative predictive value of 95%. In summary, the available evidence is currently insufficient to determine the role of this variant in disease. Therefore, it has been classified as a Variant of Uncertain Significance.

Ambry Genetics
Classification: Uncertain significance for Cardiovascular phenotype. Last evaluated: 2023-11-21. Review status: criteria provided, single submitter. Criteria: Ambry Variant Classification Scheme 2023. Collection method: clinical testing. Allele origin: germline.
Comment: The p.A911G variant (also known as c.2732C>G), located in coding exon 42 of the COL1A2 gene, results from a C to G substitution at nucleotide position 2732. The alanine at codon 911 is replaced by glycine, an amino acid with similar properties. This amino acid position is poorly conserved in available vertebrate species. In addition, this alteration is predicted to be tolerated by in silico analysis. Since supporting evidence is limited at this time, the clinical significance of this alteration remains unclear.

NM_000089.4(COL1A2):c.2732C>G (p.Ala911Gly)

Gene: COL1A2 (collagen type I alpha 2 chain; plus strand). Cytogenetic location: 7q21.3.
Variant type: single nucleotide variant.
Coding change: c.2732C>G on transcript NM_000089.4 (MANE Select); coding-DNA position 2732, C replaced by G.
Protein change: p.Ala911Gly; replaces alanine 911 with glycine.
Molecular consequence: missense variant.
Genome position (GRCh38, 1-based): chr7:94,425,175, C>G. VCF-style: chr7-94425175-C-G. GRCh37 (hg19) VCF-style: chr7-94054487-C-G.
Other names: c.2732C>G (NM_000089.3); short protein forms A911G.
Identifiers: ClinVar variation 1471557 (VCV001471557.9), dbSNP rs374901613, ClinGen allele CA4347543.